The following is an entry in ClinVar:

NC_000016.9:g.(?_90089130)_(90106937_?)dup

Genes: DRC4 (dynein regulatory complex subunit 4; plus strand), GAS8-AS1 (GAS8 antisense RNA 1; minus strand). Cytogenetic location: 16q24.3.
Variant type: Duplication.
Identifiers: ClinVar variation 2424187 (VCV002424187.3).

ClinVar aggregate classification (germline): Uncertain significance (1 of 4 stars; one submission).

Conditions:
Primary ciliary dyskinesia 33. Also called: CILIARY DYSKINESIA, PRIMARY, 33, WITHOUT SITUS INVERSUS. Identifiers: Orphanet 244, MedGen C4225230, MONDO:0014750, OMIM 616726.

Submission:

Labcorp Genetics (formerly Invitae), Labcorp
Classification: Uncertain significance for Primary ciliary dyskinesia 33. Last evaluated: 2022-07-19. Review status: criteria provided, single submitter. Criteria: Invitae Variant Classification Sherloc (09022015). Collection method: clinical testing. Allele origin: germline.
Comment: This variant results in a copy number gain of the genomic region encompassing exon(s) 1-9 of the GAS8 gene. This region includes the initiator codon of the gene. This copy number gain extends beyond the assayed region for this gene and therefore may encompass additional genes. As the precise location of this event is unknown, it may be in tandem or it may be located elsewhere in the genome. This variant has not been reported in the literature in individuals affected with GAS8-related conditions. Experimental studies and prediction algorithms are not available or were not evaluated, and the functional significance of this variant is currently unknown. In summary, the available evidence is currently insufficient to determine the role of this variant in disease. Therefore, it has been classified as a Variant of Uncertain Significance.